The following is an entry in ClinVar:

NM_001142800.2(EYS):c.8519A>G (p.Glu2840Gly)

Genes: EYS (EGF-like photoreceptor maintenance factor; minus strand), PHF3 (PHD finger protein 3; plus strand). Cytogenetic location: 6q12.
Variant type: single nucleotide variant.
Coding change: c.8519A>G on transcript NM_001142800.2 (MANE Select); coding-DNA position 8519, A replaced by G.
Protein change: p.Glu2840Gly; replaces glutamic acid 2840 with glycine.
Molecular consequence: missense variant. On other transcripts: 3 prime UTR variant (5).
Genome position (GRCh38, 1-based): chr6:63,721,512, T>C on the plus strand (A>G on the coding strand, the complement: EYS is on the minus strand). VCF-style: chr6-63721512-T-C. GRCh37 (hg19) VCF-style: chr6-64431408-T-C.
Other names: c.*7804T>C (NM_001290259.2, NM_001370348.2, NM_001370349.2 and 2 more transcripts); c.8582A>G, p.Glu2861Gly (NM_001292009.2); short protein forms E2840G, E2861G.
Identifiers: ClinVar variation 523415 (VCV000523415.5), dbSNP rs1554163965, ClinGen allele CA364384583.
Genomic context (GRCh38, chr6:63,721,512, plus strand): 5'-AATTGTAATTCTTGATTATTTATGATAACTTGTCGGATACAGCCTTGAAAACCTACAGGT[T>C]CATTTTCTATTGCCATGGGATTTACAAGATTTAAAGAAGATACTCCTCCAATATAGAAGT-3'
Protein context (NP_001136272.1, residues 2830-2850): NLVNPMAIEN[Glu2840Gly]PVGFQGCIRQ

ClinVar aggregate classification (germline): Uncertain significance. Review status: criteria provided, multiple submitters, no conflicts (2 of 4 stars). 4 submissions from 2 submitters: Uncertain significance (4). Last evaluated 2022-11-30.

Conditions:
Cystoid macular edema (DCMD). Also called: CYSTOID MACULAR DYSTROPHY; MACULAR DYSTROPHY, DOMINANT CYSTOID. Identifiers: Orphanet 75381, MedGen C0024440, MONDO:0007935, OMIM 153880, HP:0011505.
Astigmatism. Identifiers: MedGen C0004106, MONDO:0011284, OMIM 603047, HP:0000483.
Dyschromatopsia. Identifiers: MedGen C0858618, HP:0007641.
Abnormal retinal pigmentation. Identifiers: MedGen C1862475, HP:0007703.
ERG: Reduced dark-adapted b-wave amplitude. Also called: Electronegative electroretinogram. Identifiers: MedGen C4021561, HP:0007984.
Abnormal electroretinogram. Identifiers: MedGen C0476397, HP:0000512.
Pigmentary retinopathy. Also called: Pigmentary retinal deposits; Rarefaction of retinal pigmentation. Identifiers: MedGen C4551715, HP:0000580.
Color vision defect. Identifiers: MedGen C0234629, HP:0000551.
Horizontal nystagmus. Identifiers: MedGen C0271385, HP:0000666.
Retinal dystrophy. Also called: Inherited retinal dystrophy. Identifiers: Orphanet 71862, MedGen C0854723, MeSH D058499, MONDO:0019118, HP:0000556.
Visual impairment. Also called: vision problems; Impaired vision. Identifiers: MedGen C3665347, HP:0000505.
Retinitis pigmentosa 25 (RP25). Identifiers: Orphanet 791, MedGen C1864446, MONDO:0011272, OMIM 602772.

Allele frequency attached by ClinVar (database versions not stated): TOPMed 0.00001.

Submissions (4):

Blueprint Genetics
Classification: Uncertain significance. Last evaluated: 2022-11-30. Review status: criteria provided, single submitter. Criteria: ACMG Guidelines, 2015. Collection method: clinical testing. Allele origin: germline.

Centre for Mendelian Genomics, University Medical Centre Ljubljana
Classification: Uncertain significance for Abnormal electroretinogram; Abnormal retinal pigmentation; Astigmatism; Cystoid macular edema; Dyschromatopsia; Pigmentary retinopathy; ERG: Reduced dark-adapted b-wave amplitude. Last evaluated: 2017-01-01. Review status: criteria provided, single submitter. Criteria: ACMG Guidelines, 2015. Collection method: clinical testing. Allele origin: unknown. Affected: yes.

Centre for Mendelian Genomics, University Medical Centre Ljubljana
Classification: Uncertain significance for Color vision defect; Horizontal nystagmus; Retinal dystrophy; Visual impairment. Last evaluated: 2017-01-01. Review status: criteria provided, single submitter. Criteria: ACMG Guidelines, 2015. Collection method: clinical testing. Allele origin: unknown. Affected: yes.

Centre for Mendelian Genomics, University Medical Centre Ljubljana
Classification: Uncertain significance for Retinitis pigmentosa 25. Last evaluated: 2016-01-01. Review status: criteria provided, single submitter. Criteria: ACMG Guidelines, 2015. Collection method: clinical testing. Allele origin: unknown. Affected: yes.
Comment: This variant was classified as: Uncertain significance.